The following is an entry in ClinVar:

ClinVar aggregate classification (germline): Uncertain significance. Review status: criteria provided, multiple submitters, no conflicts (2 of 4 stars). 2 submissions from 2 submitters: Uncertain significance (2). Last evaluated 2025-12-28.

Conditions:
Cardiomyopathy (CMYO). Also called: Cardiomyopathies. Identifiers: Orphanet 167848, MedGen C0878544, MONDO:0004994, HP:0001638. Inheritance: Various modes of inheritance.
Arrhythmogenic right ventricular dysplasia 11. Also called: ARRHYTHMOGENIC RIGHT VENTRICULAR DYSPLASIA, FAMILIAL, 11; Arrhythmogenic Right Ventricular Dysplasia/Cardiomyopathy11; Arrhythmogenic right ventricular dysplasia 11 with mild palmoplantar keratoderma and woolly hair. Identifiers: MedGen C1864850, MONDO:0012506, OMIM 610476.

Allele frequency attached by ClinVar (database versions not stated): TOPMed 0.00008.
gnomAD v4.1: 7 of 1,613,972 alleles (0.00043%); highest among the groups gnomAD compares: East Asian, 0.013%; no homozygotes.

Submissions (2):

Labcorp Genetics (formerly Invitae), Labcorp
Classification: Uncertain significance for Arrhythmogenic right ventricular dysplasia 11. Last evaluated: 2025-12-28. Review status: criteria provided, single submitter. Criteria: Invitae Variant Classification Sherloc (09022015). Collection method: clinical testing. Allele origin: germline.
Comment: This sequence change replaces arginine, which is basic and polar, with serine, which is neutral and polar, at codon 450 of the DSC2 protein (p.Arg450Ser). This variant is present in population databases (rs144242114, gnomAD 0.04%). This variant has not been reported in the literature in individuals affected with DSC2-related conditions. ClinVar contains an entry for this variant (Variation ID: 853094). Invitae Evidence Modeling of protein sequence and biophysical properties (such as structural, functional, and spatial information, amino acid conservation, physicochemical variation, residue mobility, and thermodynamic stability) indicates that this missense variant is not expected to disrupt DSC2 protein function with a negative predictive value of 80%. In summary, the available evidence is currently insufficient to determine the role of this variant in disease. Therefore, it has been classified as a Variant of Uncertain Significance.

Color Diagnostics, LLC DBA Color Health
Classification: Uncertain significance for Cardiomyopathy. Last evaluated: 2024-06-03. Review status: criteria provided, single submitter. Criteria: ACMG Guidelines, 2015. Collection method: clinical testing. Allele origin: germline.
Comment: This missense variant replaces arginine with serine at codon 450 of the DSC2 protein. Computational prediction suggests that this variant may not impact protein structure and function (internally defined REVEL score threshold <= 0.5, PMID: 27666373). To our knowledge, functional studies have not been reported for this variant. This variant has not been reported in individuals affected with DSC2-related disorders in the literature. This variant has been identified in 8/282434 chromosomes in the general population by the Genome Aggregation Database (gnomAD). The available evidence is insufficient to determine the role of this variant in disease conclusively. Therefore, this variant is classified as a Variant of Uncertain Significance.

NM_024422.6(DSC2):c.1350A>C (p.Arg450Ser)

Gene: DSC2 (desmocollin 2; minus strand). Cytogenetic location: 18q12.1.
Variant type: single nucleotide variant.
Coding change: c.1350A>C on transcript NM_024422.6 (MANE Select); coding-DNA position 1350, A replaced by C.
Protein change: p.Arg450Ser; replaces arginine 450 with serine.
Molecular consequence: missense variant.
Genome position (GRCh38, 1-based): chr18:31,080,266, T>G on the plus strand (A>C on the coding strand, the complement: DSC2 is on the minus strand). VCF-style: chr18-31080266-T-G. GRCh37 (hg19) VCF-style: chr18-28660232-T-G.
Other names: c.1350A>C, p.Arg450Ser (NM_004949.5); short protein forms R450S.
Identifiers: ClinVar variation 853094 (VCV000853094.11), dbSNP rs144242114, ClinGen allele CA031052.
Genomic context (GRCh38, chr18:31,080,266, plus strand): 5'-CTCAGGGCCCTCATCCTGATCTTCTACATTAACAGTAACTGTTGCTGTGCTCATGGCTGA[T>G]CTTGGACTAGCCTCTCTGGAAAATGGAGCTTCATTAACTACACCAATTTGCAAGATCATC-3'
Protein context (NP_077740.1, residues 440-460): EAPFSREASP[Arg450Ser]SAMSTATVTV